The following is an entry in ClinVar:

NM_003470.3(USP7):c.1839G>A (p.Met613Ile)

Gene: USP7 (ubiquitin specific peptidase 7; minus strand). Cytogenetic location: 16p13.2.
Variant type: single nucleotide variant.
Coding change: c.1839G>A on transcript NM_003470.3 (MANE Select); coding-DNA position 1839, G replaced by A.
Protein change: p.Met613Ile; replaces methionine 613 with isoleucine.
Molecular consequence: missense variant. On other transcripts: non-coding transcript variant (1).
Genome position (GRCh38, 1-based): chr16:8,903,268, C>T on the plus strand (G>A on the coding strand, the complement: USP7 is on the minus strand). VCF-style: chr16-8903268-C-T. GRCh37 (hg19) VCF-style: chr16-8997125-C-T.
Other names: c.1791G>A, p.Met597Ile (NM_001286457.2); c.1542G>A, p.Met514Ile (NM_001286458.2); c.1665G>A, p.Met555Ile (NM_001321858.2); short protein forms M514I, M597I, M613I, M555I.
Identifiers: ClinVar variation 1810500 (VCV001810500.1), dbSNP rs2549226206, ClinGen allele CA394700871.

ClinVar aggregate classification (germline): Uncertain significance (1 of 4 stars; one submission).

Allele frequency attached by ClinVar (database versions not stated): gnomAD exomes below 0.00001.
gnomAD v4.1: 1 of 1,613,246 alleles (0.000062%); highest among the groups gnomAD compares: Non-Finnish European, 0.000085%; no homozygotes.

Submission:

GeneDx
Classification: Uncertain significance. Last evaluated: 2022-07-02. Review status: criteria provided, single submitter. Criteria: GeneDx Variant Classification Process June 2021. Collection method: clinical testing. Allele origin: germline. Affected: yes.
Comment: Not observed at significant frequency in large population cohorts (gnomAD); In silico analysis supports that this missense variant does not alter protein structure/function; Has not been previously published as pathogenic or benign to our knowledge